The following is an entry in ClinVar:

NM_000465.4(BARD1):c.641T>G (p.Ile214Ser)

Gene: BARD1 (BRCA1 associated RING domain 1; minus strand). Cytogenetic location: 2q35.
Variant type: single nucleotide variant.
Coding change: c.641T>G on transcript NM_000465.4 (MANE Select); coding-DNA position 641, T replaced by G.
Protein change: p.Ile214Ser; replaces isoleucine 214 with serine.
Molecular consequence: missense variant. On other transcripts: non-coding transcript variant (2), intron variant (3).
Genome position (GRCh38, 1-based): chr2:214,781,233, A>C on the plus strand (T>G on the coding strand, the complement: BARD1 is on the minus strand). VCF-style: chr2-214781233-A-C. GRCh37 (hg19) VCF-style: chr2-215645957-A-C.
Other names: c.584T>G, p.Ile195Ser (NM_001282543.2); c.158+28179T>G (NM_001282548.2); c.215+15828T>G (NM_001282545.2); c.364+11064T>G (NM_001282549.2); short protein forms I214S, I195S.
Identifiers: ClinVar variation 919069 (VCV000919069.7), dbSNP rs1695006868, ClinGen allele CA350456619.

ClinVar aggregate classification (germline): Uncertain significance. Review status: criteria provided, multiple submitters, no conflicts (2 of 4 stars). 2 submissions from 2 submitters: Uncertain significance (2). Last evaluated 2024-03-06.

Conditions:
Familial cancer of breast. Also called: BREAST CANCER, FAMILIAL; Hereditary breast cancer; hereditary breast carcinoma. Identifiers: Orphanet 227535, MedGen C0346153, MONDO:0016419, OMIM 114480. Disease mechanism: loss of function.
Hereditary cancer-predisposing syndrome. Also called: Neoplastic Syndromes, Hereditary; Tumor predisposition; Hereditary Cancer Syndrome; Hereditary neoplastic syndrome. Identifiers: Orphanet 140162, MedGen C0027672, MeSH D009386, MONDO:0015356.

Submissions (2):

Color Diagnostics, LLC DBA Color Health
Classification: Uncertain significance for Hereditary cancer-predisposing syndrome. Last evaluated: 2024-03-06. Review status: criteria provided, single submitter. Criteria: ACMG Guidelines, 2015. Collection method: clinical testing. Allele origin: germline.
Comment: This missense variant replaces isoleucine with serine at codon 214 of the BARD1 protein. Computational prediction suggests that this variant may not impact protein structure and function (internally defined REVEL score threshold <= 0.5, PMID: 27666373). Splice site prediction tools suggest that this variant may not impact RNA splicing. To our knowledge, functional studies have not been performed for this variant. This variant has not been reported in individuals affected with hereditary cancer in the literature. This variant has not been identified in the general population by the Genome Aggregation Database (gnomAD). The available evidence is insufficient to determine the role of this variant in disease conclusively. Therefore, this variant is classified as a Variant of Uncertain Significance.

Labcorp Genetics (formerly Invitae), Labcorp
Classification: Uncertain significance for Familial cancer of breast. Last evaluated: 2024-01-11. Review status: criteria provided, single submitter. Criteria: Invitae Variant Classification Sherloc (09022015). Collection method: clinical testing. Allele origin: germline.
Comment: This sequence change replaces isoleucine, which is neutral and non-polar, with serine, which is neutral and polar, at codon 214 of the BARD1 protein (p.Ile214Ser). This variant is not present in population databases (gnomAD no frequency). This variant has not been reported in the literature in individuals affected with BARD1-related conditions. ClinVar contains an entry for this variant (Variation ID: 919069). An algorithm developed to predict the effect of missense changes on protein structure and function (PolyPhen-2) suggests that this variant is likely to be disruptive. In summary, the available evidence is currently insufficient to determine the role of this variant in disease. Therefore, it has been classified as a Variant of Uncertain Significance.